The following is an entry in ClinVar:

ClinVar aggregate classification (germline): Likely pathogenic (1 of 4 stars; one submission).

Conditions:
Intellectual developmental disorder, autosomal dominant 39. Also called: Mental retardation, autosomal dominant 39; Intellectual disability, autosomal dominant 39. Identifiers: MedGen C4225296, MONDO:0014678, OMIM 616521.

Submission:

Variantyx, Inc.
Classification: Likely pathogenic for Intellectual developmental disorder, autosomal dominant 39. Last evaluated: 2025-11-02. Review status: criteria provided, single submitter. Criteria: Variantyx Assertion Criteria 2022. Collection method: clinical testing. Allele origin: germline. Inheritance: Autosomal dominant inheritance. Affected: yes.
Comment: This is a nonsense variant in the MYT1L gene (OMIM: 613084). Pathogenic variants in this gene have been associated with autosomal dominant intellectual developmental disorder 39. This variant introduces a premature termination codon in exon 9 out of 25 and is expected to result in loss of function, which is a known disease mechanism for MYT1L in this disorder (PMID: 28859103) (PVS1). This variant is absent from control populations (PM2 and it has not been reported in individuals with MYT1L-related disorders in the databases available for review. Based on the current evidence, this variant is classified as likely pathogenic for autosomal dominant intellectual developmental disorder 39.

Literature cited by the submitters: PubMed 28859103.

NM_001303052.2(MYT1L):c.199C>T (p.Gln67Ter)

Gene: MYT1L (myelin transcription factor 1 like; minus strand). Cytogenetic location: 2p25.3.
Variant type: single nucleotide variant.
Coding change: c.199C>T on transcript NM_001303052.2 (MANE Select); coding-DNA position 199, C replaced by T.
Protein change: p.Gln67Ter; replaces glutamine 67 with a stop codon.
Molecular consequence: nonsense.
Genome position (GRCh38, 1-based): chr2:1,943,288, G>A on the plus strand (C>T on the coding strand, the complement: MYT1L is on the minus strand). VCF-style: chr2-1943288-G-A. GRCh37 (hg19) VCF-style: chr2-1947060-G-A.
Other names: c.199C>T, p.Gln67Ter (NM_001329844.2, NM_001329845.1, NM_001329846.3 and 6 more transcripts); short protein forms Q67*.
Identifiers: ClinVar variation 4850793 (VCV004850793.1).